The following is an entry in ClinVar:

ClinVar aggregate classification (germline): Uncertain significance (1 of 4 stars; one submission).

Conditions:
Osteogenesis imperfecta type I (OI1). Also called: Lobstein disease; OI, TYPE I; OSTEOGENESIS IMPERFECTA TARDA; OSTEOGENESIS IMPERFECTA WITH BLUE SCLERAE; Osteogenesis imperfecta type 1; Lobstein's Disease. Identifiers: Orphanet 216796, Orphanet 666, MedGen C0023931, MONDO:0008146, OMIM 166200. Disease mechanism: loss of function.
Ehlers-Danlos syndrome, classic type, 1 (EDSCL1). Also called: EDS I; EHLERS-DANLOS SYNDROME, GRAVIS TYPE; EHLERS-DANLOS SYNDROME, SEVERE CLASSIC TYPE; Ehlers-Danlos syndrome, type 1; Ehlers-Danlos Syndrome, Classic Type, COL5A1-Related. Identifiers: MedGen C0268335, MONDO:0019567, OMIM 130000.

gnomAD v4.1: 1 of 1,614,124 alleles (0.000062%); highest among the groups gnomAD compares: Non-Finnish European, 0.000085%; no homozygotes.

Submission:

Labcorp Genetics (formerly Invitae), Labcorp
Classification: Uncertain significance for Osteogenesis imperfecta type I; Ehlers-Danlos syndrome, classic type, 1. Last evaluated: 2023-12-30. Review status: criteria provided, single submitter. Criteria: Invitae Variant Classification Sherloc (09022015). Collection method: clinical testing. Allele origin: germline.
Comment: This sequence change replaces leucine, which is neutral and non-polar, with tryptophan, which is neutral and slightly polar, at codon 10 of the COL1A2 protein (p.Leu10Trp). This variant is not present in population databases (gnomAD no frequency). This variant has not been reported in the literature in individuals affected with COL1A2-related conditions. Advanced modeling of protein sequence and biophysical properties (such as structural, functional, and spatial information, amino acid conservation, physicochemical variation, residue mobility, and thermodynamic stability) performed at Invitae indicates that this missense variant is not expected to disrupt COL1A2 protein function with a negative predictive value of 95%. In summary, the available evidence is currently insufficient to determine the role of this variant in disease. Therefore, it has been classified as a Variant of Uncertain Significance.

NM_000089.4(COL1A2):c.29T>G (p.Leu10Trp)

Gene: COL1A2 (collagen type I alpha 2 chain; plus strand). Cytogenetic location: 7q21.3.
Variant type: single nucleotide variant.
Coding change: c.29T>G on transcript NM_000089.4 (MANE Select); coding-DNA position 29, T replaced by G.
Protein change: p.Leu10Trp; replaces leucine 10 with tryptophan.
Molecular consequence: missense variant.
Genome position (GRCh38, 1-based): chr7:94,395,060, T>G. VCF-style: chr7-94395060-T-G. GRCh37 (hg19) VCF-style: chr7-94024372-T-G.
Other names: short protein forms L10W.
Identifiers: ClinVar variation 2931667 (VCV002931667.3), dbSNP rs758795377, ClinGen allele CA368218825.
Genomic context (GRCh38, chr7:94,395,060, plus strand): 5'-ACACAAGGAGTCTGCATGTCTAAGTGCTAGACATGCTCAGCTTTGTGGATACGCGGACTT[T>G]GTTGCTGCTTGCAGTAACCTTATGCCTAGCAACATGCCAATGTAAGTGCCTTCAGCTTGT-3'
Protein context (NP_000080.2, residues 1-20): MLSFVDTRT[Leu10Trp]LLLAVTLCLA